The following is an entry in ClinVar:

NM_000718.4(CACNA1B):c.6973C>T (p.Arg2325Ter)

Gene: CACNA1B (calcium voltage-gated channel subunit alpha1 B; plus strand). Cytogenetic location: 9q34.3.
Variant type: single nucleotide variant.
Coding change: c.6973C>T on transcript NM_000718.4 (MANE Select); coding-DNA position 6973, C replaced by T.
Protein change: p.Arg2325Ter; replaces arginine 2325 with a stop codon.
Molecular consequence: nonsense. On other transcripts: 3 prime UTR variant (1).
Genome position (GRCh38, 1-based): chr9:138,121,952, C>T. VCF-style: chr9-138121952-C-T. GRCh37 (hg19) VCF-style: chr9-141016404-C-T.
Other names: c.*72C>T (NM_001243812.2); short protein forms R2325*.
Identifiers: ClinVar variation 2002473 (VCV002002473.1), dbSNP rs761505830, ClinGen allele CA375825292.
Genomic context (GRCh38, chr9:138,121,952, plus strand): 5'-CACCCTCTCCGCCGCGTGCCCAACGGTTACCACTGCACCCTGGGACTCAGCTCGGGTGGC[C>T]GAGCACGGCACAGCTACCACCACCCTGACCAAGACCACTGGTGCTAGCTGCACCGTGACC-3'

ClinVar aggregate classification (germline): Uncertain significance (1 of 4 stars; one submission).

Allele frequency attached by ClinVar (database versions not stated): TOPMed below 0.00001; gnomAD 0.00001.
gnomAD v4.1: 5 of 1,604,468 alleles (0.00031%); highest among the groups gnomAD compares: South Asian, 0.0011%; no homozygotes.

Submission:

Labcorp Genetics (formerly Invitae), Labcorp
Classification: Uncertain significance. Last evaluated: 2022-06-05. Review status: criteria provided, single submitter. Criteria: Invitae Variant Classification Sherloc (09022015). Collection method: clinical testing. Allele origin: germline.
Comment: This sequence change creates a premature translational stop signal (p.Arg2325*) in the CACNA1B gene. While this is not anticipated to result in nonsense mediated decay, it is expected to disrupt the last 15 amino acid(s) of the CACNA1B protein. This variant is not present in population databases (gnomAD no frequency). This variant has not been reported in the literature in individuals affected with CACNA1B-related conditions. Experimental studies and prediction algorithms are not available or were not evaluated, and the functional significance of this variant is currently unknown. In summary, the available evidence is currently insufficient to determine the role of this variant in disease. Therefore, it has been classified as a Variant of Uncertain Significance.